The following is an entry in ClinVar:

NM_006231.4(POLE):c.910-157A>G

Gene: POLE (DNA polymerase epsilon, catalytic subunit; minus strand). Cytogenetic location: 12q24.33.
Variant type: single nucleotide variant.
Coding change: c.910-157A>G on transcript NM_006231.4 (MANE Select); 157 bases into the intron before coding-DNA position 910, A replaced by G.
Molecular consequence: intron variant.
Genome position (GRCh38, 1-based): chr12:132,676,361, T>C on the plus strand (A>G on the coding strand, the complement: POLE is on the minus strand). VCF-style: chr12-132676361-T-C. GRCh37 (hg19) VCF-style: chr12-133252947-T-C.
Identifiers: ClinVar variation 679673 (VCV000679673.2), dbSNP rs5744759, ClinGen allele CA13640045.

ClinVar aggregate classification (germline): Benign. Review status: criteria provided, multiple submitters, no conflicts (2 of 4 stars). 2 submissions from 2 submitters: Benign (2). Last evaluated 2018-06-20.

Allele frequency attached by ClinVar (database versions not stated): 1000 Genomes Project 30x 0.26640; 1000 Genomes Project 0.27177; TOPMed 0.29473; gnomAD 0.31066 and 0.31312; gnomAD exomes 0.38291.

Submissions (2):

GeneDx
Classification: Benign. Last evaluated: 2018-06-20. Review status: criteria provided, single submitter. Criteria: GeneDx Variant Classification (06012015). Collection method: clinical testing. Allele origin: germline. Affected: yes.
Comment: This variant is considered likely benign or benign based on one or more of the following criteria: it is a conservative change, it occurs at a poorly conserved position in the protein, it is predicted to be benign by multiple in silico algorithms, and/or has population frequency not consistent with disease.

Breakthrough Genomics
Classification: Benign. Review status: criteria provided, single submitter. Criteria: ACMG Guidelines, 2015. Collection method: not provided. Allele origin: germline. Inheritance: Autosomal recessive inheritance. Affected: yes.